The following is an entry in ClinVar:

NM_006031.6(PCNT):c.3423C>T (p.Leu1141=)

Gene: PCNT (pericentrin; plus strand). Cytogenetic location: 21q22.3.
Variant type: single nucleotide variant.
Coding change: c.3423C>T on transcript NM_006031.6 (MANE Select); coding-DNA position 3423, C replaced by T.
Protein change: p.Leu1141=; no amino-acid change (leucine 1141 retained).
Molecular consequence: synonymous variant.
Genome position (GRCh38, 1-based): chr21:46,385,942, C>T. VCF-style: chr21-46385942-C-T. GRCh37 (hg19) VCF-style: chr21-47805857-C-T.
Other names: c.3069C>T, p.Leu1023= (NM_001315529.2).
Identifiers: ClinVar variation 511336 (VCV000511336.7), dbSNP rs113763153, ClinGen allele CA10079291.

ClinVar aggregate classification (germline): Likely benign. Review status: criteria provided, multiple submitters, no conflicts (2 of 4 stars). 3 submissions from 3 submitters: Likely benign (2). 1 of the submissions does not count toward it. Last evaluated 2025-11-08.

Conditions:
PCNT-related disorder. Also called: PCNT-related condition.

Allele frequency attached by ClinVar (database versions not stated): gnomAD exomes 0.00005 and 0.00014; gnomAD 0.00011; ExAC 0.00012; TOPMed 0.00017; ESP Exome Variant Server 0.00023.
gnomAD v4.1: 101 of 1,614,218 alleles (0.0063%); highest among the groups gnomAD compares: South Asian, 0.056%; no homozygotes.

Submissions (3):

Labcorp Genetics (formerly Invitae), Labcorp
Classification: Likely benign. Last evaluated: 2025-11-08. Review status: criteria provided, single submitter. Criteria: Invitae Variant Classification Sherloc (09022015). Collection method: clinical testing. Allele origin: germline.

GeneDx
Classification: Likely benign. Last evaluated: 2017-08-11. Review status: criteria provided, single submitter. Criteria: GeneDx Variant Classification (06012015). Collection method: clinical testing. Allele origin: germline. Affected: yes.
Comment: This variant is considered likely benign or benign based on one or more of the following criteria: it is a conservative change, it occurs at a poorly conserved position in the protein, it is predicted to be benign by multiple in silico algorithms, and/or has population frequency not consistent with disease.

PreventionGenetics, part of Exact Sciences
Classification: Likely benign for PCNT-related condition. Last evaluated: 2022-02-17. Review status: no assertion criteria provided. Collection method: clinical testing. Allele origin: germline. Not counted in ClinVar's aggregate classification.
Comment: This variant is classified as likely benign based on ACMG/AMP sequence variant interpretation guidelines (Richards et al. 2015 PMID: 25741868, with internal and published modifications).